The following is an entry in ClinVar:

NM_000487.6(ARSA):c.1293T>A (p.Tyr431Ter)

Gene: ARSA (arylsulfatase A; minus strand). Cytogenetic location: 22q13.33.
Variant type: single nucleotide variant.
Coding change: c.1293T>A on transcript NM_000487.6 (MANE Select); coding-DNA position 1293, T replaced by A.
Protein change: p.Tyr431Ter; replaces tyrosine 431 with a stop codon.
Molecular consequence: nonsense.
Genome position (GRCh38, 1-based): chr22:50,625,382, A>T on the plus strand (T>A on the coding strand, the complement: ARSA is on the minus strand). VCF-style: chr22-50625382-A-T. GRCh37 (hg19) VCF-style: chr22-51063810-A-T.
Other names: c.1293T>A, p.Tyr431Ter (NM_001085426.3, NM_001085427.3, NM_001085425.3); c.1035T>A, p.Tyr345Ter (NM_001085428.3, NM_001362782.2); short protein forms Y345*, Y431*.
Identifiers: ClinVar variation 1457224 (VCV001457224.6), dbSNP rs1209071029, ClinGen allele CA412168835.
Genomic context (GRCh38, chr22:50,625,382, plus strand): 5'-GGTGGCCCCGGCCACACCCCCCAGCAGGTTGTAGTTCTCACCAGGGTCCTTGGACAGGTC[A>T]TAGAGCAGCGGGGGCTCATGAGCAGTCAGAGAGCTGGAGGCGTGGCAGGCAGGGTCTGCA-3'

ClinVar aggregate classification (germline): Pathogenic (1 of 4 stars; one submission).

Conditions:
Metachromatic leukodystrophy (MLD). Also called: ARSA DEFICIENCY; CEREBROSIDE SULFATASE DEFICIENCY; SULFATIDE LIPIDOSIS; METACHROMATIC LEUKOENCEPHALOPATHY; Arylsulfatase A Deficiency; Cerebral sclerosis diffuse metachromatic form. Identifiers: Orphanet 512, MedGen C0023522, MONDO:0018868, OMIM 250100.

Submission:

Labcorp Genetics (formerly Invitae), Labcorp
Classification: Pathogenic for Metachromatic leukodystrophy. Last evaluated: 2021-08-23. Review status: criteria provided, single submitter. Criteria: Invitae Variant Classification Sherloc (09022015). Collection method: clinical testing. Allele origin: germline.
Comment: This sequence change creates a premature translational stop signal (p.Tyr431*) in the ARSA gene. While this is not anticipated to result in nonsense mediated decay, it is expected to disrupt the last 79 amino acid(s) of the ARSA protein. For these reasons, this variant has been classified as Pathogenic. This variant disrupts a region of the ARSA protein in which other variant(s) (p.Cys495Phe) have been determined to be pathogenic (PMID: 19021637). This suggests that this is a clinically significant region of the protein, and that variants that disrupt it are likely to be disease-causing. Algorithms developed to predict the effect of sequence changes on RNA splicing suggest that this variant may create or strengthen a splice site. This variant has not been reported in the literature in individuals affected with ARSA-related conditions. This variant is not present in population databases (ExAC no frequency).

Literature cited by the submitters: PubMed 19021637.